The following is an entry in ClinVar:

NM_000018.4(ACADVL):c.1679-1G>A

Gene: ACADVL (acyl-CoA dehydrogenase very long chain; plus strand). Cytogenetic location: 17p13.1.
Variant type: single nucleotide variant.
Coding change: c.1679-1G>A on transcript NM_000018.4 (MANE Select); the canonical splice acceptor site of the intron before coding-DNA position 1679, G replaced by A.
Molecular consequence: splice acceptor variant.
Genome position (GRCh38, 1-based): chr17:7,224,641, G>A. VCF-style: chr17-7224641-G-A. GRCh37 (hg19) VCF-style: chr17-7127960-G-A.
Other names: c.1748-1G>A (NM_001270447.2); c.1451-1G>A (NM_001270448.2); c.1613-1G>A (NM_001033859.3).
Identifiers: ClinVar variation 2828471 (VCV002828471.3), dbSNP rs2508366039, ClinGen allele CA397725639.

ClinVar aggregate classification (germline): Likely pathogenic (1 of 4 stars; one submission).

Conditions:
Very long chain acyl-CoA dehydrogenase deficiency (ACADVLD). Also called: Very Long-Chain Acyl-Coenzyme A Dehydrogenase Deficiency; VLCAD Deficiency. Identifiers: Orphanet 26793, MedGen C3887523, MONDO:0008723, OMIM 201475.

Submission:

Labcorp Genetics (formerly Invitae), Labcorp
Classification: Likely pathogenic for Very long chain acyl-CoA dehydrogenase deficiency. Last evaluated: 2023-05-02. Review status: criteria provided, single submitter. Criteria: Invitae Variant Classification Sherloc (09022015). Collection method: clinical testing. Allele origin: germline.
Comment: This sequence change affects an acceptor splice site in intron 17 of the ACADVL gene. It is expected to disrupt RNA splicing. Variants that disrupt the donor or acceptor splice site typically lead to a loss of protein function (PMID: 16199547), and loss-of-function variants in ACADVL are known to be pathogenic (PMID: 9973285, 11590124). This variant is not present in population databases (gnomAD no frequency). This variant has not been reported in the literature in individuals affected with ACADVL-related conditions. Algorithms developed to predict the effect of sequence changes on RNA splicing suggest that this variant may disrupt the consensus splice site. In summary, the currently available evidence indicates that the variant is pathogenic, but additional data are needed to prove that conclusively. Therefore, this variant has been classified as Likely Pathogenic.

Literature cited by the submitters: PubMed 16199547; PubMed 9973285; PubMed 11590124.